The following is an entry in ClinVar:

ClinVar aggregate classification (germline): Uncertain significance (1 of 4 stars; one submission).

Conditions:
Biotin-responsive basal ganglia disease (BTBGD). Also called: THIAMINE METABOLISM DYSFUNCTION SYNDROME 2 (BIOTIN- AND THIAMINE-RESPONSIVE TYPE); Thiamine Transporter-2 Deficiency; Thiamine metabolism dysfunction syndrome 2 (biotin- or thiamine-responsive encephalopathy type 2); thiamine-responsive encephalopathy; Thiamine metabolism dysfunction syndrome type 2. Identifiers: Orphanet 199348, Orphanet 65284, MedGen C1843807, MONDO:0011841, OMIM 607483.

Submission:

Labcorp Genetics (formerly Invitae), Labcorp
Classification: Uncertain significance for Biotin-responsive basal ganglia disease. Last evaluated: 2021-04-19. Review status: criteria provided, single submitter. Criteria: Invitae Variant Classification Sherloc (09022015). Collection method: clinical testing. Allele origin: germline.
Comment: This sequence change replaces asparagine with lysine at codon 316 of the SLC19A3 protein (p.Asn316Lys). The asparagine residue is highly conserved and there is a moderate physicochemical difference between asparagine and lysine. In summary, the available evidence is currently insufficient to determine the role of this variant in disease. Therefore, it has been classified as a Variant of Uncertain Significance. Algorithms developed to predict the effect of sequence changes on RNA splicing suggest that this variant may create or strengthen a splice site, but this prediction has not been confirmed by published transcriptional studies. Advanced modeling of protein sequence and biophysical properties (such as structural, functional, and spatial information, amino acid conservation, physicochemical variation, residue mobility, and thermodynamic stability) performed at Invitae indicates that this missense variant is expected to disrupt SLC19A3 protein function. This variant has not been reported in the literature in individuals with SLC19A3-related conditions. This variant is not present in population databases (ExAC no frequency).

NM_025243.4(SLC19A3):c.948T>G (p.Asn316Lys)

Gene: SLC19A3 (solute carrier family 19 member 3; minus strand). Cytogenetic location: 2q36.3.
Variant type: single nucleotide variant.
Coding change: c.948T>G on transcript NM_025243.4 (MANE Select); coding-DNA position 948, T replaced by G.
Protein change: p.Asn316Lys; replaces asparagine 316 with lysine.
Molecular consequence: missense variant.
Genome position (GRCh38, 1-based): chr2:227,698,767, A>C on the plus strand (T>G on the coding strand, the complement: SLC19A3 is on the minus strand). VCF-style: chr2-227698767-A-C. GRCh37 (hg19) VCF-style: chr2-228563483-A-C.
Other names: c.948T>G, p.Asn316Lys (NM_001371411.1, NM_001371412.1); c.936T>G, p.Asn312Lys (NM_001371413.1, NM_001371414.1); short protein forms N312K, N316K.
Identifiers: ClinVar variation 1388896 (VCV001388896.8), dbSNP rs1258302828, ClinGen allele CA350876111.